The following is an entry in ClinVar:

ClinVar aggregate classification (germline): Likely benign. Review status: criteria provided, multiple submitters, no conflicts (2 of 4 stars). 3 submissions from 3 submitters: Likely benign (2). 1 of the submissions does not count toward it. Last evaluated 2026-01-18.

Conditions:
COL13A1-related disorder. Also called: COL13A1-related condition.

Allele frequency attached by ClinVar (database versions not stated): 1000 Genomes Project 30x 0.00047; 1000 Genomes Project 0.00080; ExAC 0.00096; gnomAD exomes 0.00097; TOPMed 0.00109; gnomAD 0.00110 and 0.00112; ESP Exome Variant Server 0.00193.
gnomAD v4.1: 2,283 of 1,554,408 alleles (0.15%); highest among the groups gnomAD compares: Non-Finnish European, 0.17%; 6 homozygotes.

Submissions (3):

Labcorp Genetics (formerly Invitae), Labcorp
Classification: Likely benign. Last evaluated: 2026-01-18. Review status: criteria provided, single submitter. Criteria: Invitae Variant Classification Sherloc (09022015). Collection method: clinical testing. Allele origin: germline.

CeGaT Center for Human Genetics Tuebingen
Classification: Likely benign. Last evaluated: 2023-08-01. Review status: criteria provided, single submitter. Criteria: CeGaT Center For Human Genetics Tuebingen Variant Classification Criteria Version 2. Collection method: clinical testing. Allele origin: germline. Affected: yes. Observed: 1 variant allele.
Comment: COL13A1: BP4, BP7

PreventionGenetics, part of Exact Sciences
Classification: Likely benign for COL13A1-related condition. Last evaluated: 2019-09-05. Review status: no assertion criteria provided. Collection method: clinical testing. Allele origin: germline. Not counted in ClinVar's aggregate classification.
Comment: This variant is classified as likely benign based on ACMG/AMP sequence variant interpretation guidelines (Richards et al. 2015 PMID: 25741868, with internal and published modifications).

NM_001368882.1(COL13A1):c.2118G>A (p.Ala706=)

Gene: COL13A1 (collagen type XIII alpha 1 chain; plus strand). Cytogenetic location: 10q22.1.
Variant type: single nucleotide variant.
Coding change: c.2118G>A on transcript NM_001368882.1 (MANE Select); coding-DNA position 2118, G replaced by A.
Protein change: p.Ala706=; no amino-acid change (alanine 706 retained).
Molecular consequence: synonymous variant. On other transcripts: intron variant (7).
Genome position (GRCh38, 1-based): chr10:69,952,941, G>A. VCF-style: chr10-69952941-G-A. GRCh37 (hg19) VCF-style: chr10-71712697-G-A.
Other names: c.2085G>A, p.Ala695= (NM_001130103.2); c.1974G>A, p.Ala658= (NM_001320951.2); c.1932G>A, p.Ala644= (NM_001368884.1); c.1905G>A, p.Ala635= (NM_001368895.1); c.1869G>A, p.Ala623= (NM_080798.4); c.1992G>A, p.Ala664= (NM_080800.4); c.2019G>A, p.Ala673= (NM_080801.4); c.1938G>A, p.Ala646= (NM_080802.4); and 7 more.
Identifiers: ClinVar variation 708794 (VCV000708794.34), dbSNP rs144348670, ClinGen allele CA5535111.